The following is an entry in ClinVar:

NM_025074.7(FRAS1):c.11329T>C (p.Tyr3777His)

Gene: FRAS1 (Fraser extracellular matrix complex subunit 1; plus strand). Cytogenetic location: 4q21.21.
Variant type: single nucleotide variant.
Coding change: c.11329T>C on transcript NM_025074.7 (MANE Select); coding-DNA position 11329, T replaced by C.
Protein change: p.Tyr3777His; replaces tyrosine 3777 with histidine.
Molecular consequence: missense variant.
Genome position (GRCh38, 1-based): chr4:78,539,324, T>C. VCF-style: chr4-78539324-T-C. GRCh37 (hg19) VCF-style: chr4-79460478-T-C.
Other names: short protein forms Y3777H.
Identifiers: ClinVar variation 1432405 (VCV001432405.6), dbSNP rs2109910201, ClinGen allele CA357380191.
Genomic context (GRCh38, chr4:78,539,324, plus strand): 5'-ATCTTGCATTTCTTTTTTCTGAAATCCTAGGACCGCAATCAGCCAGAGGTAACTGATAAG[T>C]ACTTCCATGATGTGCCTTTTGAGGCTCACTTTGCCTCTGAGTTGCCTGATTTCCATGTGG-3'
Protein context (NP_079350.5, residues 3767-3787): DRNQPEVTDK[Tyr3777His]FHDVPFEAHF

ClinVar aggregate classification (germline): Uncertain significance (1 of 4 stars; one submission).

Submission:

Labcorp Genetics (formerly Invitae), Labcorp
Classification: Uncertain significance. Last evaluated: 2021-10-10. Review status: criteria provided, single submitter. Criteria: Invitae Variant Classification Sherloc (09022015). Collection method: clinical testing. Allele origin: germline.
Comment: In summary, the available evidence is currently insufficient to determine the role of this variant in disease. Therefore, it has been classified as a Variant of Uncertain Significance. Algorithms developed to predict the effect of missense changes on protein structure and function (SIFT, PolyPhen-2, Align-GVGD) all suggest that this variant is likely to be disruptive. This variant has not been reported in the literature in individuals affected with FRAS1-related conditions. This variant is not present in population databases (ExAC no frequency). This sequence change replaces tyrosine with histidine at codon 3777 of the FRAS1 protein (p.Tyr3777His). The tyrosine residue is highly conserved and there is a moderate physicochemical difference between tyrosine and histidine.